The following is an entry in ClinVar:

NM_030665.4(RAI1):c.2681A>G (p.Lys894Arg)

Gene: RAI1 (retinoic acid induced 1; plus strand). Cytogenetic location: 17p11.2.
Variant type: single nucleotide variant.
Coding change: c.2681A>G on transcript NM_030665.4 (MANE Select); coding-DNA position 2681, A replaced by G.
Protein change: p.Lys894Arg; replaces lysine 894 with arginine.
Molecular consequence: missense variant.
Genome position (GRCh38, 1-based): chr17:17,795,629, A>G. VCF-style: chr17-17795629-A-G. GRCh37 (hg19) VCF-style: chr17-17698943-A-G.
Other names: short protein forms K894R.
Identifiers: ClinVar variation 2822027 (VCV002822027.3), dbSNP rs2032208281, ClinGen allele CA398551771.

ClinVar aggregate classification (germline): Uncertain significance (1 of 4 stars; one submission).

Allele frequency attached by ClinVar (database versions not stated): gnomAD exomes below 0.00001; gnomAD 0.00001.
gnomAD v4.1: 3 of 1,613,128 alleles (0.00019%); highest among the groups gnomAD compares: African/African-American, 0.0013%; no homozygotes.

Submission:

Labcorp Genetics (formerly Invitae), Labcorp
Classification: Uncertain significance. Last evaluated: 2023-11-06. Review status: criteria provided, single submitter. Criteria: Invitae Variant Classification Sherloc (09022015). Collection method: clinical testing. Allele origin: germline.
Comment: This sequence change replaces lysine, which is basic and polar, with arginine, which is basic and polar, at codon 894 of the RAI1 protein (p.Lys894Arg). This variant is not present in population databases (gnomAD no frequency). This variant has not been reported in the literature in individuals affected with RAI1-related conditions. Advanced modeling of protein sequence and biophysical properties (such as structural, functional, and spatial information, amino acid conservation, physicochemical variation, residue mobility, and thermodynamic stability) performed at Invitae indicates that this missense variant is not expected to disrupt RAI1 protein function with a negative predictive value of 80%. In summary, the available evidence is currently insufficient to determine the role of this variant in disease. Therefore, it has been classified as a Variant of Uncertain Significance.